The following is an entry in ClinVar:

NM_003060.4(SLC22A5):c.393+17G>A

Gene: SLC22A5 (solute carrier family 22 member 5; plus strand). Cytogenetic location: 5q31.1.
Variant type: single nucleotide variant.
Coding change: c.393+17G>A on transcript NM_003060.4 (MANE Select); 17 bases into the intron after coding-DNA position 393, G replaced by A.
Molecular consequence: intron variant.
Genome position (GRCh38, 1-based): chr5:132,370,382, G>A. VCF-style: chr5-132370382-G-A. GRCh37 (hg19) VCF-style: chr5-131706074-G-A.
Other names: p.?; c.393+17G>A (NM_001308122.2).
Identifiers: ClinVar variation 25366 (VCV000025366.27), dbSNP rs11568522, ClinGen allele CA295645.

ClinVar aggregate classification (germline): Benign. Review status: criteria provided, multiple submitters, no conflicts (2 of 4 stars). 7 submissions from 7 submitters: Benign (7). Last evaluated 2026-02-04.

Conditions:
Renal carnitine transport defect (CDSP). Also called: Systemic primary carnitine deficiency; Carnitine transporter deficiency; Primary carnitine deficiency; Carnitine Deficiency, Systemic; Systemic primary carnitine deficiency disease; CARNITINE DEFICIENCY, SYSTEMIC, DUE TO DEFECT IN RENAL REABSORPTION OF CARNITINE. Identifiers: Orphanet 158, MedGen C0342788, MONDO:0008919, OMIM 212140.

Allele frequency attached by ClinVar (database versions not stated): gnomAD exomes 0.01115; ExAC 0.01412; 1000 Genomes Project 0.02875; gnomAD 0.02888 and 0.02738; 1000 Genomes Project 30x 0.02904; TOPMed 0.02953; ESP Exome Variant Server 0.02655.
gnomAD v4.1: 16,140 of 1,610,772 alleles (1%); highest among the groups gnomAD compares: African/African-American, 7.6%; 270 homozygotes.

Submissions (7):

Labcorp Genetics (formerly Invitae), Labcorp
Classification: Benign for Renal carnitine transport defect. Last evaluated: 2026-02-04. Review status: criteria provided, single submitter. Criteria: Invitae Variant Classification Sherloc (09022015). Collection method: clinical testing. Allele origin: germline.

Mayo Clinic Laboratories, Mayo Clinic
Classification: Benign. Last evaluated: 2025-01-27. Review status: criteria provided, single submitter. Criteria: ACMG Guidelines, 2015. Collection method: clinical testing. Allele origin: germline. Observed: 1 variant allele.

ARUP Laboratories, Molecular Genetics and Genomics, ARUP Laboratories
Classification: Benign for Renal carnitine transport defect. Last evaluated: 2024-08-17. Review status: criteria provided, single submitter. Criteria: ARUP Molecular Germline Variant Investigation Process 2024. Collection method: clinical testing. Allele origin: germline.

Genome-Nilou Lab
Classification: Benign for Renal carnitine transport defect. Last evaluated: 2021-07-15. Review status: criteria provided, single submitter. Criteria: ACMG Guidelines, 2015. Collection method: clinical testing. Allele origin: germline. Affected: no.

Women's Health and Genetics/Laboratory Corporation of America, LabCorp
Classification: Benign. Last evaluated: 2018-11-12. Review status: criteria provided, single submitter. Criteria: LabCorp Variant Classification Summary - May 2015. Collection method: clinical testing. Allele origin: germline.
Comment: Variant summary: SLC22A5 c.393+17G>A alters a non-conserved nucleotide located close to a canonical splice site and therefore could affect mRNA splicing, leading to a significantly altered protein sequence. 5/5 computational tools predict no significant impact on normal splicing. However, these predictions have yet to be confirmed by functional studies. The variant allele was found at a frequency of 0.013 in 261426 control chromosomes in the gnomAD database, including 85 homozygotes. The observed variant frequency is approximately 3-folds higher than the estimated maximal expected allele frequency for a pathogenic variant in SLC22A5 causing Systemic Primary Carnitine Deficiency phenotype (0.0046), strongly suggesting that the variant is benign. To our knowledge, no occurrence of c.393+17G>A in individuals affected with Systemic Primary Carnitine Deficiency and no experimental evidence demonstrating its impact on protein function have been reported. No clinical diagnostic laboratories have submitted clinical-significance assessments for this variant to ClinVar after 2014. Based on the evidence outlined above, the variant was classified as benign.

GeneDx
Classification: Benign. Last evaluated: 2014-05-16. Review status: criteria provided, single submitter. Criteria: GeneDx Variant Classification (06012015). Collection method: clinical testing. Allele origin: germline. Affected: yes.
Comment: This variant is considered likely benign or benign based on one or more of the following criteria: it is a conservative change, it occurs at a poorly conserved position in the protein, it is predicted to be benign by multiple in silico algorithms, and/or has population frequency not consistent with disease.

Eurofins Ntd Llc (ga)
Classification: Benign. Last evaluated: 2013-12-30. Review status: criteria provided, single submitter. Criteria: EGL Classification Definitions 2015. Collection method: clinical testing. Allele origin: germline. Observed: 2 variant alleles, 2 heterozygotes.